The following is an entry in ClinVar:

ClinVar aggregate classification (germline): Uncertain significance (1 of 4 stars; one submission).

Submission:

Labcorp Genetics (formerly Invitae), Labcorp
Classification: Uncertain significance. Last evaluated: 2022-01-03. Review status: criteria provided, single submitter. Criteria: Invitae Variant Classification Sherloc (09022015). Collection method: clinical testing. Allele origin: germline.
Comment: Algorithms developed to predict the effect of missense changes on protein structure and function (SIFT, PolyPhen-2, Align-GVGD) all suggest that this variant is likely to be tolerated. In summary, the available evidence is currently insufficient to determine the role of this variant in disease. Therefore, it has been classified as a Variant of Uncertain Significance. This variant has not been reported in the literature in individuals affected with SLC24A1-related conditions. This variant is not present in population databases (gnomAD no frequency). This sequence change replaces arginine, which is basic and polar, with glycine, which is neutral and non-polar, at codon 1091 of the SLC24A1 protein (p.Arg1091Gly).

NM_004727.3(SLC24A1):c.3271C>G (p.Arg1091Gly)

Gene: SLC24A1 (solute carrier family 24 member 1; plus strand). Cytogenetic location: 15q22.31.
Variant type: single nucleotide variant.
Coding change: c.3271C>G on transcript NM_004727.3 (MANE Select); coding-DNA position 3271, C replaced by G.
Protein change: p.Arg1091Gly; replaces arginine 1091 with glycine.
Molecular consequence: missense variant. On other transcripts: intron variant (1).
Genome position (GRCh38, 1-based): chr15:65,654,050, C>G. VCF-style: chr15-65654050-C-G. GRCh37 (hg19) VCF-style: chr15-65946388-C-G.
Other names: c.1252C>G, p.Arg418Gly (NM_001254740.2); c.3181C>G, p.Arg1061Gly (NM_001301031.1); c.3217C>G, p.Arg1073Gly (NM_001301032.1); c.2929C>G, p.Arg977Gly (NM_001411142.1); c.2996+1242C>G (NM_001301033.2); short protein forms R418G, R1091G, R1073G, R977G, R1061G.
Identifiers: ClinVar variation 2073355 (VCV002073355.4), dbSNP rs866719649, ClinGen allele CA392904137.
Genomic context (GRCh38, chr15:65,654,050, plus strand): 5'-GGCTTCACAATGTTCCTCCTTTACTTTGTATTCCTGATAATCAGTGTGATGTTAGAAGAT[C>G]GAATCATATCCTGTCCTGTATCTGTCTGAATCAGTCACTCTTGCTCACAATGGGCATGGA-3'
Protein context (NP_004718.1, residues 1081-1099): FLIISVMLED[Arg1091Gly]IISCPVSV